The following is an entry in ClinVar:

NM_177402.5(SYT2):c.1215C>G (p.Leu405=)

Gene: SYT2 (synaptotagmin 2; minus strand). Cytogenetic location: 1q32.1.
Variant type: single nucleotide variant.
Coding change: c.1215C>G on transcript NM_177402.5 (MANE Select); coding-DNA position 1215, C replaced by G.
Protein change: p.Leu405=; no amino-acid change (leucine 405 retained).
Molecular consequence: synonymous variant.
Genome position (GRCh38, 1-based): chr1:202,596,802, G>C on the plus strand (C>G on the coding strand, the complement: SYT2 is on the minus strand). VCF-style: chr1-202596802-G-C. GRCh37 (hg19) VCF-style: chr1-202565930-G-C.
Other names: c.1215C>G, p.Leu405= (NM_001136504.1); c.1215C>G (NM_177402.4).
Identifiers: ClinVar variation 2985381 (VCV002985381.5), dbSNP rs748198461, ClinGen allele CA1333591.

ClinVar aggregate classification (germline): Likely benign. Review status: criteria provided, single submitter (1 of 4 stars). 2 submissions from 2 submitters: Likely benign (1). 1 of the submissions does not count toward it. Last evaluated 2024-01-11.

Conditions:
SYT2-related disorder. Also called: SYT2-related condition.

Allele frequency attached by ClinVar (database versions not stated): TOPMed below 0.00001; ExAC 0.00001; gnomAD 0.00001; gnomAD exomes 0.00001.
gnomAD v4.1: 21 of 1,614,052 alleles (0.0013%); highest among the groups gnomAD compares: Non-Finnish European, 0.0018%; no homozygotes.

Submissions (2):

Labcorp Genetics (formerly Invitae), Labcorp
Classification: Likely benign. Last evaluated: 2024-01-11. Review status: criteria provided, single submitter. Criteria: Invitae Variant Classification Sherloc (09022015). Collection method: clinical testing. Allele origin: germline.

PreventionGenetics, part of Exact Sciences
Classification: Likely benign for SYT2-related condition. Last evaluated: 2021-02-04. Review status: no assertion criteria provided. Collection method: clinical testing. Allele origin: germline. Not counted in ClinVar's aggregate classification.
Comment: This variant is classified as likely benign based on ACMG/AMP sequence variant interpretation guidelines (Richards et al. 2015 PMID: 25741868, with internal and published modifications).